The following is an entry in ClinVar:

NM_019842.4(KCNQ5):c.2000C>T (p.Ser667Leu)

Gene: KCNQ5 (potassium voltage-gated channel subfamily Q member 5; plus strand). Cytogenetic location: 6q13.
Variant type: single nucleotide variant.
Coding change: c.2000C>T on transcript NM_019842.4 (MANE Select); coding-DNA position 2000, C replaced by T.
Protein change: p.Ser667Leu; replaces serine 667 with leucine.
Molecular consequence: missense variant.
Genome position (GRCh38, 1-based): chr6:73,194,615, C>T. VCF-style: chr6-73194615-C-T. GRCh37 (hg19) VCF-style: chr6-73904338-C-T.
Other names: c.1973C>T, p.Ser658Leu (NM_001160130.2); c.2030C>T, p.Ser677Leu (NM_001160132.2); c.2057C>T, p.Ser686Leu (NM_001160133.2); c.1670C>T, p.Ser557Leu (NM_001160134.2); short protein forms S667L, S677L, S557L, S658L, S686L.
Identifiers: ClinVar variation 1372971 (VCV001372971.8), dbSNP rs747182315, ClinGen allele CA3887183.

ClinVar aggregate classification (germline): Uncertain significance (1 of 4 stars; one submission).

Allele frequency attached by ClinVar (database versions not stated): gnomAD exomes below 0.00001 and 0.00001; gnomAD 0.00001; ExAC 0.00002.
gnomAD v4.1: 6 of 1,614,084 alleles (0.00037%); highest among the groups gnomAD compares: East Asian, 0.0022%; no homozygotes.

Submission:

Labcorp Genetics (formerly Invitae), Labcorp
Classification: Uncertain significance. Last evaluated: 2025-11-03. Review status: criteria provided, single submitter. Criteria: Invitae Variant Classification Sherloc (09022015). Collection method: clinical testing. Allele origin: germline.
Comment: This sequence change replaces serine, which is neutral and polar, with leucine, which is neutral and non-polar, at codon 686 of the KCNQ5 protein (p.Ser686Leu). This variant is present in population databases (rs747182315, gnomAD 0.005%). This variant has not been reported in the literature in individuals affected with KCNQ5-related conditions. ClinVar contains an entry for this variant (Variation ID: 1372971). Invitae Evidence Modeling of protein sequence and biophysical properties (such as structural, functional, and spatial information, amino acid conservation, physicochemical variation, residue mobility, and thermodynamic stability) indicates that this missense variant is not expected to disrupt KCNQ5 protein function with a negative predictive value of 80%. In summary, the available evidence is currently insufficient to determine the role of this variant in disease. Therefore, it has been classified as a Variant of Uncertain Significance.